The following is an entry in ClinVar:

NM_181507.2(HPS5):c.865T>A (p.Ser289Thr)

Gene: HPS5 (HPS5 biogenesis of lysosomal organelles complex 2 subunit 2; minus strand). Cytogenetic location: 11p15.1.
Variant type: single nucleotide variant.
Coding change: c.865T>A on transcript NM_181507.2 (MANE Select); coding-DNA position 865, T replaced by A.
Protein change: p.Ser289Thr; replaces serine 289 with threonine.
Molecular consequence: missense variant.
Genome position (GRCh38, 1-based): chr11:18,305,453, A>T on the plus strand (T>A on the coding strand, the complement: HPS5 is on the minus strand). VCF-style: chr11-18305453-A-T. GRCh37 (hg19) VCF-style: chr11-18327000-A-T.
Other names: c.523T>A, p.Ser175Thr (NM_007216.4, NM_181508.2); short protein forms S175T, S289T.
Identifiers: ClinVar variation 1420364 (VCV001420364.6), dbSNP rs148986553, ClinGen allele CA5910319.
Genomic context (GRCh38, chr11:18,305,453, plus strand): 5'-CCCCAGAACTAAGGAAAGTAGAAACTTACCTAAGATGTAAGAGTTTGGGGAAAGACAAAG[A>T]CTGGGAGGATCCAGCTGTATGATCATACTGAGGTTCTGATCTAGAAAGTAAACACATCTG-3'
Protein context (NP_852608.1, residues 279-299): QYDHTAGSSQ[Ser289Thr]LSFPKLLHLS

ClinVar aggregate classification (germline): Uncertain significance. Review status: criteria provided, multiple submitters, no conflicts (2 of 4 stars). 3 submissions from 3 submitters: Uncertain significance (3). Last evaluated 2025-03-25.

Conditions:
Inborn genetic diseases. Identifiers: MedGen C0950123, MeSH D030342.

Allele frequency attached by ClinVar (database versions not stated): gnomAD exomes 0.00011; ExAC 0.00012; gnomAD 0.00041 and 0.00038; 1000 Genomes Project 30x 0.00047; 1000 Genomes Project 0.00040; ESP Exome Variant Server 0.00023; TOPMed 0.00043.
gnomAD v4.1: 193 of 1,611,088 alleles (0.012%); highest among the groups gnomAD compares: African/African-American, 0.16%; 2 homozygotes.

Submissions (3):

GeneDx
Classification: Uncertain significance. Last evaluated: 2025-03-25. Review status: criteria provided, single submitter. Criteria: GeneDx Variant Classification Process June 2021. Collection method: clinical testing. Allele origin: germline. Affected: yes.
Comment: In silico analysis indicates that this missense variant does not alter protein structure/function; Has not been previously published as pathogenic or benign to our knowledge

Labcorp Genetics (formerly Invitae), Labcorp
Classification: Uncertain significance. Last evaluated: 2025-01-13. Review status: criteria provided, single submitter. Criteria: Invitae Variant Classification Sherloc (09022015). Collection method: clinical testing. Allele origin: germline.
Comment: This sequence change replaces serine, which is neutral and polar, with threonine, which is neutral and polar, at codon 289 of the HPS5 protein (p.Ser289Thr). This variant is present in population databases (rs148986553, gnomAD 0.1%). This variant has not been reported in the literature in individuals affected with HPS5-related conditions. ClinVar contains an entry for this variant (Variation ID: 1420364). An algorithm developed to predict the effect of missense changes on protein structure and function (PolyPhen-2) suggests that this variant is likely to be disruptive. In summary, the available evidence is currently insufficient to determine the role of this variant in disease. Therefore, it has been classified as a Variant of Uncertain Significance.

Ambry Genetics
Classification: Uncertain significance for Inborn genetic diseases. Last evaluated: 2021-08-10. Review status: criteria provided, single submitter. Criteria: Ambry Variant Classification Scheme 2023. Collection method: clinical testing. Allele origin: germline.